The following is an entry in ClinVar:

ClinVar aggregate classification (germline): Uncertain significance (1 of 4 stars; one submission).

Conditions:
BCOR-related disorder. Also called: BCOR-related condition; BCOR-related disorders.

Submission:

PreventionGenetics, part of Exact Sciences
Classification: Uncertain significance for BCOR-related condition. Last evaluated: 2026-09-25. Review status: criteria provided, single submitter. Criteria: ACMG Guidelines, 2015. Collection method: clinical testing. Allele origin: germline.
Comment: The BCOR c.2125G>T variant is predicted to result in the amino acid substitution p.Gly709Cys. To our knowledge, this variant has not been reported in the literature or in a large population database (gnomAD), indicating this variant is rare. At this time, the clinical significance of this variant is uncertain due to the absence of conclusive functional and genetic evidence.

NM_001123385.2(BCOR):c.2125G>T (p.Gly709Cys)

Gene: BCOR (BCL6 corepressor; minus strand). Cytogenetic location: Xp11.4.
Variant type: single nucleotide variant.
Coding change: c.2125G>T on transcript NM_001123385.2 (MANE Select); coding-DNA position 2125, G replaced by T.
Protein change: p.Gly709Cys; replaces glycine 709 with cysteine.
Molecular consequence: missense variant.
Genome position (GRCh38, 1-based): chrX:40,073,221, C>A on the plus strand (G>T on the coding strand, the complement: BCOR is on the minus strand). VCF-style: chrX-40073221-C-A. GRCh37 (hg19) VCF-style: chrX-39932474-C-A.
Other names: c.2125G>T, p.Gly709Cys (NM_001123383.2, NM_001123384.2, NM_001437510.1 and 4 more transcripts); short protein forms G709C.
Identifiers: ClinVar variation 4994479 (VCV004994479.1).